The following is an entry in ClinVar:

ClinVar aggregate classification (germline): Conflicting classifications of pathogenicity. Review status: criteria provided, conflicting classifications (1 of 4 stars). 23 submissions from 23 submitters: Uncertain significance (9); Likely benign (9). 5 of the submissions do not count toward it. Last evaluated 2026-05-01.

Conditions:
ATM-related disorder. Also called: ATM-related disorders; ATM-related condition.
Hereditary cancer-predisposing syndrome. Also called: Neoplastic Syndromes, Hereditary; Hereditary Cancer Syndrome; Tumor predisposition; Hereditary neoplastic syndrome. Identifiers: Orphanet 140162, MedGen C0027672, MeSH D009386, MONDO:0015356.
Hereditary breast ovarian cancer syndrome. Also called: BRCA1- and BRCA2-Associated Hereditary Breast and Ovarian Cancer; Hereditary breast and ovarian cancer syndrome; Hereditary breast and ovarian cancer syndrome (HBOC); Hereditary breast and/or ovarian cancer syndrome; Hereditary breast and ovarian cancer; Breast and ovarian cancer. Identifiers: Orphanet 145, MedGen C0677776, MeSH D061325, MONDO:0003582. Disease mechanism: loss of function.
Ataxia-telangiectasia syndrome (AT). Also called: Ataxia-telangiectasia, complementation group D; AT, COMPLEMENTATION GROUP C; Ataxia-telangiectasia; ATAXIA-TELANGIECTASIA, COMPLEMENTATION GROUP A; ATAXIA-TELANGIECTASIA, FRESNO VARIANT; Ataxia-telangiectasia, complementation group E. Identifiers: Orphanet 100, MedGen C0004135, MONDO:0008840, OMIM 208900.
Familial cancer of breast. Also called: BREAST CANCER, FAMILIAL; hereditary breast carcinoma; Hereditary breast cancer. Identifiers: Orphanet 227535, MedGen C0346153, MONDO:0016419, OMIM 114480. Disease mechanism: loss of function.
Malignant tumor of breast. Also called: Malignant breast neoplasm; Cancer breast. Identifiers: MedGen C0006142, MONDO:0007254. Disease mechanism: loss of function.
Tip-toe gait. Also called: Toe walking. Identifiers: MedGen C0427144, HP:0030051.

Allele frequency attached by ClinVar (database versions not stated): ESP Exome Variant Server 0.00031; ExAC 0.00007; gnomAD exomes 0.00010 and 0.00025; gnomAD 0.00011; TOPMed 0.00012.
gnomAD v4.1: 369 of 1,612,228 alleles (0.023%); highest among the groups gnomAD compares: Non-Finnish European, 0.031%; no homozygotes.

Submissions 1 to 14 of 23:

CeGaT Center for Human Genetics Tuebingen
Classification: Likely benign. Last evaluated: 2026-05-01. Review status: criteria provided, single submitter. Criteria: CeGaT Center For Human Genetics Tuebingen Variant Classification Criteria Version 2. Collection method: clinical testing. Allele origin: germline. Affected: yes. Observed: 4 variant alleles.
Comment: ATM: BP4

Labcorp Genetics (formerly Invitae), Labcorp
Classification: Likely benign for Ataxia-telangiectasia syndrome. Last evaluated: 2026-02-02. Review status: criteria provided, single submitter. Criteria: Invitae Variant Classification Sherloc (09022015). Collection method: clinical testing. Allele origin: germline.

Women's Health and Genetics/Laboratory Corporation of America, LabCorp
Classification: Likely benign. Last evaluated: 2026-01-27. Review status: criteria provided, single submitter. Criteria: LabCorp Variant Classification Summary - May 2015. Collection method: clinical testing. Allele origin: germline.
Comment: Variant summary: ATM c.7919C>T (p.Thr2640Ile) results in a non-conservative amino acid change in the encoded protein sequence. Algorithms developed to predict the effect of missense changes on protein structure and function are either unavailable or do not agree on the potential impact of this missense change. The variant allele was found at a frequency of 8.9e-05 in 304866 control chromosomes, predominantly at a frequency of 0.0002 within the Non-Finnish European subpopulation in the gnomAD database. The observed variant frequency within Non-Finnish European control individuals in the gnomAD database exceeds the estimated maximal expected allele frequency for disease-causing variants in ATM. c.7919C>T has been observed in individual(s) affected with breast cancer or chronic lymphocytic leukemia without strong evidence for causality (e.g. Bernstein_2010, Tung_2014, Hauke_2018, Schubert_2019, Lampson_2023), however it was also found in several controls (e.g. Tavtigian_2009, Momozawa_2018, Dalmasso_2021). In a recent large study evaluating breast cancer cases and controls in the Breast Cancer Association Consortium (BCAC), the variant was reported in 25/60466 cases, but was also found in 16/53461 controls (Dorling_2021, reported through LOVD). These report(s) do not provide unequivocal conclusions about association of the variant with Breast Cancer. At least one publication reports experimental evidence evaluating an impact on protein function, showing a neutral result using a pKAP1 phospho-flow assay (Hanenberg_2025). The following publications have been ascertained in the context of this evaluation (PMID: 20305132, 24728327, 34262154, 33471991, 22529920, 40105422, 21346221, 29522266, 36315919, 30287823, 30426508, 19781682, 25186627, 30447919). ClinVar contains an entry for this variant (Variation ID: 133634). Based on the evidence outlined above, the variant was classified as likely benign.

GeneDx
Classification: Uncertain significance. Last evaluated: 2026-01-20. Review status: criteria provided, single submitter. Criteria: GeneDx Variant Classification Process June 2021. Collection method: clinical testing. Allele origin: germline. Affected: yes.
Comment: Observed in individuals with breast or other cancers and in healthy controls (PMID: 19781682, 24728327, 25186627, 27720647, 28779002, 28873162, 30287823, 30426508, 34326862, 33471991, 34359559); In silico analysis supports that this missense variant has a deleterious effect on protein structure/function; This variant is associated with the following publications: (PMID: 19781682, 24728327, 22529920, 26976419, 27720647, 28779002, 28873162, 20305132, 30287823, 29642553, 29522266, 21346221, 30447919, 34359559, 33471991, 30426508, 34262154, 25186627, 34326862, 36243179, 36315919, 40105422)

German Consortium for Hereditary Breast and Ovarian Cancer, University Hospital Cologne
Classification: Likely benign for Hereditary breast ovarian cancer syndrome. Last evaluated: 2025-12-09. Review status: criteria provided, single submitter. Criteria: ClinGen ATM V1.4.0. Collection method: curation. Allele origin: germline.
Comment: This classification follows the ClinGen ACMG ATM v1.4.0 classification scheme; We chose these criteria: BP4 (supporting benign): REVEL = 0.142 (thus ≤0.249), BS3 (medium benign): Well-established in vitro or in vivo functional studies show no damaging effect on protein function or splicing. Hanenberg et al. PMID: 40105422

Quest Diagnostics Nichols Institute San Juan Capistrano
Classification: Uncertain significance. Last evaluated: 2025-09-03. Review status: criteria provided, single submitter. Criteria: Quest Diagnostics criteria. Collection method: clinical testing. Allele origin: unknown.

PreventionGenetics, part of Exact Sciences
Classification: Likely benign for ATM-related condition. Last evaluated: 2025-05-05. Review status: criteria provided, single submitter. Criteria: ACMG Guidelines, 2015. Collection method: clinical testing. Allele origin: germline.
Comment: This variant is classified as likely benign based on ACMG/AMP sequence variant interpretation guidelines (Richards et al. 2015 PMID: 25741868, with internal and published modifications).

Center for Genomic Medicine, Rigshospitalet, Copenhagen University Hospital
Classification: Uncertain significance. Last evaluated: 2025-03-04. Review status: criteria provided, single submitter. Criteria: ACMG Guidelines, 2015. Collection method: clinical testing. Allele origin: germline.
Comment: Classification criteria: BP4

Mayo Clinic Laboratories, Mayo Clinic
Classification: Uncertain significance. Last evaluated: 2025-01-18. Review status: criteria provided, single submitter. Criteria: ACMG Guidelines, 2015. Collection method: clinical testing. Allele origin: germline. Observed: 3 variant alleles.
Comment: BP4, PM2_supporting

Practice for Gait Abnormalities, David Pomarino, Competency Network Toe Walking C/o Practice Pomarino
Classification: Uncertain significance for Tip-toe gait. Last evaluated: 2024-07-31. Review status: criteria provided, single submitter. Criteria: ACMG Guidelines, 2015. Collection method: clinical testing. Allele origin: germline. Affected: yes.

Myriad Genetics, Inc.
Classification: Likely benign for Familial cancer of breast. Last evaluated: 2024-06-17. Review status: criteria provided, single submitter. Criteria: Myriad Autosomal Dominant, Autosomal Recessive and X-Linked Classification Criteria (2023). Collection method: clinical testing. Allele origin: unknown.
Comment: This variant is considered likely benign. This variant is strongly associated with less severe personal and family histories of cancer, typical for individuals without pathogenic variants in this gene [PMID: 25085752].

Blueprint Genetics
Classification: Uncertain significance. Last evaluated: 2024-03-07. Review status: criteria provided, single submitter. Criteria: ACMG Guidelines, 2015. Collection method: clinical testing. Allele origin: germline.

St. Jude Molecular Pathology, St. Jude Children's Research Hospital
Classification: Uncertain significance for Familial cancer of breast. Last evaluated: 2023-08-30. Review status: criteria provided, single submitter. Criteria: St. Jude Assertion Criteria 2020. Collection method: clinical testing. Allele origin: germline.
Comment: The ATM c.7919C>T (p.Thr2640Ile) missense change has a maximum subpopulation frequency of 0.02% in gnomAD v2.1.1. The in silico tool REVEL predicts a benign effect of this variant on protein function, and to our knowledge functional studies have not been performed. This variant has been reported in individuals with breast cancer (PMID: 25186627, 28779002, 29522266). To our knowledge, this variant has not been reported in individuals with ataxia telangiectasia. In summary, the evidence currently available is insufficient to determine the clinical significance of this variant. It has therefore been classified as of uncertain significance.

Institute for Biomarker Research, Medical Diagnostic Laboratories, L.L.C.
Classification: Uncertain significance for Hereditary cancer-predisposing syndrome. Last evaluated: 2022-12-08. Review status: criteria provided, single submitter. Criteria: ACMG Guidelines, 2015. Collection method: clinical testing. Allele origin: germline.

NM_000051.4(ATM):c.7919C>T (p.Thr2640Ile)

Genes: ATM (ATM serine/threonine kinase; plus strand), C11orf65 (chromosome 11 open reading frame 65; minus strand). Cytogenetic location: 11q22.3.
Variant type: single nucleotide variant.
Coding change: c.7919C>T on transcript NM_000051.4 (MANE Select); coding-DNA position 7919, C replaced by T.
Protein change: p.Thr2640Ile; replaces threonine 2640 with isoleucine.
Molecular consequence: missense variant. On other transcripts: intron variant (2).
Genome position (GRCh38, 1-based): chr11:108,332,892, C>T. VCF-style: chr11-108332892-C-T. GRCh37 (hg19) VCF-style: chr11-108203619-C-T.
Other names: p.T2640I:ACT>ATT; c.7919C>T, p.Thr2640Ile (NM_001351834.2); c.641-23821G>A (NM_001330368.2); c.*38+2328G>A (NM_001351110.2); short protein forms T2640I.
Identifiers: ClinVar variation 133634 (VCV000133634.69), dbSNP rs4988125, ClinGen allele CA157174.